The following is an entry in ClinVar:

ClinVar aggregate classification (germline): Uncertain significance (1 of 4 stars; one submission).

Allele frequency attached by ClinVar (database versions not stated): TOPMed 0.00001.
gnomAD v4.1: 2 of 1,613,888 alleles (0.00012%); highest among the groups gnomAD compares: Non-Finnish European, 0.00017%; no homozygotes.

Submission:

Labcorp Genetics (formerly Invitae), Labcorp
Classification: Uncertain significance. Last evaluated: 2024-07-26. Review status: criteria provided, single submitter. Criteria: Invitae Variant Classification Sherloc (09022015). Collection method: clinical testing. Allele origin: germline.
Comment: This sequence change replaces arginine, which is basic and polar, with leucine, which is neutral and non-polar, at codon 247 of the NEDD4L protein (p.Arg247Leu). This variant is not present in population databases (gnomAD no frequency). This variant has not been reported in the literature in individuals affected with NEDD4L-related conditions. ClinVar contains an entry for this variant (Variation ID: 647809). Advanced modeling of protein sequence and biophysical properties (such as structural, functional, and spatial information, amino acid conservation, physicochemical variation, residue mobility, and thermodynamic stability) performed at Invitae indicates that this missense variant is not expected to disrupt NEDD4L protein function with a negative predictive value of 80%. In summary, the available evidence is currently insufficient to determine the role of this variant in disease. Therefore, it has been classified as a Variant of Uncertain Significance.

NM_001144967.3(NEDD4L):c.740G>T (p.Arg247Leu)

Gene: NEDD4L (NEDD4 like E3 ubiquitin protein ligase; plus strand). Cytogenetic location: 18q21.31.
Variant type: single nucleotide variant.
Coding change: c.740G>T on transcript NM_001144967.3 (MANE Select); coding-DNA position 740, G replaced by T.
Protein change: p.Arg247Leu; replaces arginine 247 with leucine.
Molecular consequence: missense variant.
Genome position (GRCh38, 1-based): chr18:58,329,054, G>T. VCF-style: chr18-58329054-G-T. GRCh37 (hg19) VCF-style: chr18-55996286-G-T.
Other names: c.377G>T, p.Arg126Leu (NM_001144964.1, NM_001144965.2, NM_001144966.3 and 2 more transcripts); c.716G>T, p.Arg239Leu (NM_001144968.2, NM_001144969.2); c.740G>T, p.Arg247Leu (NM_001243960.2, NM_015277.6); short protein forms R126L, R239L, R247L.
Identifiers: ClinVar variation 647809 (VCV000647809.8), dbSNP rs747072217, ClinGen allele CA402554484.